The following is an entry in ClinVar:

NM_001009944.3(PKD1):c.8017-2_8017-1del

Gene: PKD1 (polycystin 1, transient receptor potential channel interacting; minus strand). Cytogenetic location: 16p13.3.
Variant type: Deletion.
Coding change: c.8017-2_8017-1del on transcript NM_001009944.3 (MANE Select); the canonical splice acceptor site of the intron before coding-DNA position 8017, 2 bases deleted (AG; older notation c.8017-2_8017-1delAG).
Molecular consequence: splice acceptor variant.
Genome position (GRCh38, 1-based): chr16:2,104,643-2,104,644, CT deleted on the plus strand (AG on the coding strand, the reverse complement: PKD1 is on the minus strand). VCF-style (leftmost placement, unchanged base first): chr16-2104642-CCT-C. GRCh37 (hg19) VCF-style: chr16-2154643-CCT-C.
Other names: p.?; c.8017-2_8017-1del (NM_000296.4); c.8017-2_8017-1delAG (NM_001009944.2, NM_001009944.3).
Identifiers: ClinVar variation 586300 (VCV000586300.31), dbSNP rs1567180636, ClinGen allele CA891843794.

ClinVar aggregate classification (germline): Pathogenic. Review status: criteria provided, multiple submitters, no conflicts (2 of 4 stars). 17 submissions from 17 submitters: Pathogenic (15). 2 of the submissions do not count toward it. Last evaluated 2026-06-09.

Conditions:
PKD1-related disorder. Also called: PKD1-related condition.
Cystic renal disease.
Polycystic kidney disease. Also called: Polycystic kidney dysplasia; Kidney, Polycystic. Identifiers: MedGen C0022680, MeSH D007690, MONDO:0020642, HP:0000113.
Polycystic kidney disease, adult type (PKD1). Also called: Polycystic Kidney Disease 1, Autosomal Dominant; Polycystic kidney disease 1; Polycystic kidney disease 1, severe; Polycystic Kidney, Autosomal Dominant; POLYCYSTIC KIDNEY DISEASE 1 WITH OR WITHOUT POLYCYSTIC LIVER DISEASE; POLYCYSTIC KIDNEY DISEASE, ADULT, TYPE I. Identifiers: MedGen C3149841, MONDO:0008263, OMIM 173900.

Allele frequency attached by ClinVar (database versions not stated): TOPMed below 0.00001; gnomAD 0.00001.

Submissions 1 to 14 of 17:

Victorian Clinical Genetics Services, Murdoch Childrens Research Institute
Classification: Pathogenic for Polycystic kidney disease, adult type. Last evaluated: 2026-06-09. Review status: criteria provided, single submitter. Criteria: ACMG Guidelines, 2015. Collection method: clinical testing. Allele origin: germline. Affected: yes.
Comment: This variant is classified as Pathogenic. Evidence in support of pathogenic classification: Canonical splice site variant without proven consequence on splicing (no functional evidence available); Variant is present in gnomAD <0.001 for a dominant condition (v4: 1 heterozygote(s), 0 homozygote(s)). An additional heterozygous allele detected on exome sequencing was filtered out of the gnomAD v4 count due to failing predetermined quality control metrics; This variant has strong previous evidence of pathogenicity in unrelated individuals. This variant has been classified as pathogenic and likely pathogenic by multiple clinical laboratories in ClinVar. Additionally, it has been reported in multiple individuals with autosomal dominant polycystic kidney disease (PMID: 25263802, 17582161, 26632257); Other variants affecting the acceptor same splice site comparable to the one identified in this case have moderate previous evidence for pathogenicity. c.8017-1G>C and c.8017-2A>G, reported as IVS21-1G>C and IVS21-2A>G respectively, have also been regarded as pathogenic (PKD database, PMID: 17582161); Abnormal splicing is predicted by in silico tool and affected nucleotides are highly conserved. Additional information: This variant is heterozygous; This gene is associated with autosomal dominant disease. Polycystic kidney disease 1 (MIM#173900) is predominantly caused by monoallelic variants, with rare reports of biallelic variants causing disease (OMIM); Loss of function is a known mechanism of disease in this gene and is associated with polycystic kidney disease 1 (MIM#173900); Inheritance information for this variant is not currently available in this individual.

GeneDx
Classification: Pathogenic. Last evaluated: 2026-01-22. Review status: criteria provided, single submitter. Criteria: GeneDx Variant Classification Process June 2021. Collection method: clinical testing. Allele origin: germline.
Comment: Published functional studies demonstrate that the variant results in an in-frame deletion of the first 14 residues of exon 22 (PMID: 11115377); Not observed at significant frequency in large population cohorts (gnomAD); In silico analysis supports a deleterious effect on splicing; This variant is associated with the following publications: (PMID: 28378423, 33437033, 17582161, 22508176, 12007219, 39698362, 36186434, 18257781, 36938073, 31740684, 31730820, 11115377, 35325889, 37509056, 39888183)

Genetics Laboratory, Great Ormond Street Hospital NHS Foundation Trust, North Thames Genomic Laboratory Hub
Classification: Pathogenic for Cystic renal disease. Last evaluated: 2025-10-23. Review status: criteria provided, single submitter. Criteria: ACGS Best Practice Guidelines for Variant Classification in Rare Disease 2024 v1.2. Collection method: clinical testing. Allele origin: germline. Affected: yes.
Comment: PS4_moderate, PM2_moderate, PVS1_very-strong, PS1_supporting

Genetic Services Laboratory, University of Chicago
Classification: Pathogenic. Last evaluated: 2025-10-15. Review status: criteria provided, single submitter. Criteria: ACMG Guidelines, 2015. Collection method: clinical testing. Allele origin: germline.
Comment: The c.8017-2_8017-1del variant is located in the canonical splice donor acceptor site of intron 21. Is predicted to affect normal splicing of the PKD1 gene and result in an abnormal protein. Has been demonstrated by functional analyses to result in an in-frame deletion of the first 14 amino acids of exon 22 (PMID: 11115377). Has been previously described in several individuals with PKD1-related disorders (PMID: 17582161, 12007219, 11115377, 22508176). Has not been described in population databases such as gnomAD v4. ClinVar contains an entry for this variant (Variation ID: 586300). Collectively, this evidence indicates that this variant is pathogenic.

Genomic Medicine Center of Excellence, King Faisal Specialist Hospital and Research Centre
Classification: Pathogenic for Polycystic kidney disease, adult type. Last evaluated: 2025-09-10. Review status: criteria provided, single submitter. Criteria: ACMG Guidelines, 2015. Collection method: clinical testing. Allele origin: germline.

Mayo Clinic Laboratories, Mayo Clinic
Classification: Pathogenic. Last evaluated: 2025-07-11. Review status: criteria provided, single submitter. Criteria: ACMG Guidelines, 2015. Collection method: clinical testing. Allele origin: germline. Observed: 2 variant alleles.
Comment: PM2_supporting, PS4, PVS1

CeGaT Center for Human Genetics Tuebingen
Classification: Pathogenic. Last evaluated: 2025-05-01. Review status: criteria provided, single submitter. Criteria: CeGaT Center For Human Genetics Tuebingen Variant Classification Criteria Version 2. Collection method: clinical testing. Allele origin: germline. Affected: yes. Observed: 1 variant allele.
Comment: PKD1: PVS1, PS4, PM2

Women's Health and Genetics/Laboratory Corporation of America, LabCorp
Classification: Pathogenic for Polycystic kidney disease, adult type. Last evaluated: 2025-04-08. Review status: criteria provided, single submitter. Criteria: LabCorp Variant Classification Summary - May 2015. Collection method: clinical testing. Allele origin: germline.
Comment: Variant summary: PKD1 c.8017-2_8017-1delAG, also reported as IVS21-2delAG, is located in a canonical splice-site and is predicted to affect mRNA splicing resulting in a significantly altered protein due to either exon skipping, shortening, or inclusion of intronic material. Variants that disrupt the consensus splice site are a relatively common cause of aberrant splicing and loss of PKD1 function. Several computational tools predict a significant impact on normal splicing: Four predict the variant abolishes a 3' acceptor site. At least one publication reports experimental evidence that this variant affects mRNA splicing in patient cDNA (example, Rosetti_2001), with splicing impact "8228del42 [c.], del2673-2686 [p.], cryptic splice exon 22". The reported splicing impact corresponds to c.8017_8058del p.Gly2673_Gln2686del using current nomenclature, an in-frame deletion of part of exon 22. However, quantification data were not presented. The variant was absent in 128404 control chromosomes. c.8017-2_8017-1delAG has been reported in the presumed heterozygous state in the literature in multiple individuals affected with autosomal dominant Polycystic Kidney Disease 1 (Rosetti_2001, Carrera_2016), and segregated with disease in at least 1 family. These data indicate that the variant is likely to be associated with disease. The following publications have been ascertained in the context of this evaluation (PMID: 27499327, 11115377). ClinVar contains an entry for this variant (Variation ID: 586300). Based on the evidence outlined above, the variant was classified as pathogenic.

Laboratory of Genetics, Children's Clinical University Hospital Latvia
Classification: Pathogenic. Last evaluated: 2025-02-16. Review status: criteria provided, single submitter. Criteria: ACMG Guidelines, 2015. Collection method: clinical testing. Allele origin: germline. Affected: yes.

Blueprint Genetics
Classification: Pathogenic for PKD1-related disorders. Last evaluated: 2024-10-21. Review status: criteria provided, single submitter. Criteria: ACMG Guidelines, 2015. Collection method: clinical testing. Allele origin: germline. Affected: yes. Observed: 5 variant alleles.

Fulgent Genetics
Classification: Pathogenic for Polycystic kidney disease, adult type. Last evaluated: 2021-06-30. Review status: criteria provided, single submitter. Criteria: ACMG Guidelines, 2015. Collection method: clinical testing. Allele origin: unknown.
Comment: This variant has been detected in individual(s) who were sent for testing of Renasight - kidney gene panel.

Molecular Genetics of Inherited Kidney Disorders Laboratory, Garvan Institute of Medical Research
Classification: Pathogenic. Last evaluated: 2019-01-01. Review status: criteria provided, single submitter. Criteria: ACMG Guidelines, 2015. Collection method: clinical testing. Allele origin: germline. Affected: yes.

Athena Diagnostics
Classification: Pathogenic. Last evaluated: 2017-12-30. Review status: criteria provided, single submitter. Criteria: Athena Diagnostics Criteria. Collection method: clinical testing. Allele origin: germline.

Clinical Genetics Service, Universitary Hospital 12 de Octubre
Classification: Pathogenic for Polycystic kidney disease, adult type. Review status: criteria provided, single submitter. Criteria: ACMG Guidelines, 2015. Collection method: clinical testing. Allele origin: germline. Affected: yes.